The following is an entry in ClinVar:

ClinVar aggregate classification (germline): Conflicting classifications of pathogenicity. Review status: criteria provided, conflicting classifications (1 of 4 stars). 2 submissions from 2 submitters: Uncertain significance (1); Likely benign (1). Last evaluated 2026-07-09.

Conditions:
Neurofibromatosis, type 1 (NF1). Also called: VON RECKLINGHAUSEN DISEASE; Peripheral type neurofibromatosis; Neurofibromatosis, type I; NEUROFIBROMATOSIS, TYPE I, SOMATIC. Identifiers: Orphanet 636, MedGen C0027831, MONDO:0018975, OMIM 162200. Disease mechanism: loss of function.
Cardiovascular phenotype. Identifiers: MedGen CN230736.
Hereditary cancer-predisposing syndrome. Also called: Hereditary Cancer Syndrome; Hereditary neoplastic syndrome; Neoplastic Syndromes, Hereditary; Tumor predisposition. Identifiers: Orphanet 140162, MedGen C0027672, MeSH D009386, MONDO:0015356.

Submissions (2):

Ambry Genetics
Classification: Likely benign for Cardiovascular phenotype; Hereditary cancer-predisposing syndrome. Last evaluated: 2026-07-09. Review status: criteria provided, single submitter. Criteria: Ambry Variant Classification Scheme 2023. Collection method: clinical testing. Allele origin: germline.

Labcorp Genetics (formerly Invitae), Labcorp
Classification: Uncertain significance for Neurofibromatosis, type 1. Last evaluated: 2023-04-07. Review status: criteria provided, single submitter. Criteria: Invitae Variant Classification Sherloc (09022015). Collection method: clinical testing. Allele origin: germline.
Comment: This sequence change replaces tyrosine, which is neutral and polar, with serine, which is neutral and polar, at codon 2464 of the NF1 protein (p.Tyr2464Ser). This variant is present in population databases (no rsID available, gnomAD 0.0009%). This variant has not been reported in the literature in individuals affected with NF1-related conditions. ClinVar contains an entry for this variant (Variation ID: 1758668). Advanced modeling of protein sequence and biophysical properties (such as structural, functional, and spatial information, amino acid conservation, physicochemical variation, residue mobility, and thermodynamic stability) performed at Invitae indicates that this missense variant is not expected to disrupt NF1 protein function. In summary, the available evidence is currently insufficient to determine the role of this variant in disease. Therefore, it has been classified as a Variant of Uncertain Significance.

NM_001042492.3(NF1):c.7454A>C (p.Tyr2485Ser)

Gene: NF1 (neurofibromin 1; plus strand). Cytogenetic location: 17q11.2.
Variant type: single nucleotide variant.
Coding change: c.7454A>C on transcript NM_001042492.3 (MANE Select); coding-DNA position 7454, A replaced by C.
Protein change: p.Tyr2485Ser; replaces tyrosine 2485 with serine.
Molecular consequence: missense variant.
Genome position (GRCh38, 1-based): chr17:31,350,315, A>C. VCF-style: chr17-31350315-A-C. GRCh37 (hg19) VCF-style: chr17-29677333-A-C.
Other names: c.7391A>C, p.Tyr2464Ser (NM_000267.4); short protein forms Y2485S, Y2464S.
Identifiers: ClinVar variation 1758668 (VCV001758668.6), dbSNP rs1022605462, ClinGen allele CA399017222.